The following is an entry in ClinVar:

ClinVar aggregate classification (germline): Likely pathogenic (1 of 4 stars; one submission).

Conditions:
Intellectual disability, CASK-related, X-linked. Identifiers: MedGen CN043158.

Submission:

Labcorp Genetics (formerly Invitae), Labcorp
Classification: Likely pathogenic for Intellectual disability, CASK-related, X-linked. Last evaluated: 2022-11-23. Review status: criteria provided, single submitter. Criteria: Invitae Variant Classification Sherloc (09022015). Collection method: clinical testing. Allele origin: germline.
Comment: In summary, the currently available evidence indicates that the variant is pathogenic, but additional data are needed to prove that conclusively. Therefore, this variant has been classified as Likely Pathogenic. Algorithms developed to predict the effect of sequence changes on RNA splicing suggest that this variant may disrupt the consensus splice site. This variant has not been reported in the literature in individuals affected with CASK-related conditions. This variant is not present in population databases (gnomAD no frequency). This sequence change affects a donor splice site in intron 6 of the CASK gene. It is expected to disrupt RNA splicing. Variants that disrupt the donor or acceptor splice site typically lead to a loss of protein function (PMID: 16199547), and loss-of-function variants in CASK are known to be pathogenic (PMID: 19165920, 20029458, 21954287, 22452838, 22709267).

Literature cited by the submitters: PubMed 16199547; PubMed 19165920; PubMed 20029458; PubMed 21954287; PubMed 22452838; PubMed 22709267.

NM_001367721.1(CASK):c.532+2T>C

Gene: CASK (calcium/calmodulin dependent serine protein kinase; minus strand). Cytogenetic location: Xp11.4.
Variant type: single nucleotide variant.
Coding change: c.532+2T>C on transcript NM_001367721.1 (MANE Select); the canonical splice donor site of the intron after coding-DNA position 532, T replaced by C.
Molecular consequence: splice donor variant.
Genome position (GRCh38, 1-based): chrX:41,671,426, A>G on the plus strand (T>C on the coding strand, the complement: CASK is on the minus strand). VCF-style: chrX-41671426-A-G. GRCh37 (hg19) VCF-style: chrX-41530679-A-G.
Other names: c.532+2T>C (NM_001126055.3, NM_001410745.1, NM_001126054.3 and 1 more transcripts).
Identifiers: ClinVar variation 2815824 (VCV002815824.3), dbSNP rs2519234356, ClinGen allele CA412998890.